The following is an entry in ClinVar:

ClinVar aggregate classification (germline): Uncertain significance (1 of 4 stars; one submission).

Conditions:
Dilated cardiomyopathy 1G (CMD1G). Identifiers: Orphanet 154, MedGen C1858763, MONDO:0011400, OMIM 604145.
Autosomal recessive limb-girdle muscular dystrophy type 2J (LGMDR10). Also called: Limb-girdle muscular dystrophy, type 2J; MUSCULAR DYSTROPHY, LIMB-GIRDLE, AUTOSOMAL RECESSIVE 10. Identifiers: Orphanet 140922, MedGen C1837342, MONDO:0012127, OMIM 608807.

Submission:

Labcorp Genetics (formerly Invitae), Labcorp
Classification: Uncertain significance for Dilated cardiomyopathy 1G; Autosomal recessive limb-girdle muscular dystrophy type 2J. Last evaluated: 2021-10-01. Review status: criteria provided, single submitter. Criteria: Invitae Variant Classification Sherloc (09022015). Collection method: clinical testing. Allele origin: germline.
Comment: This variant is located in the M band of TTN (PMID: 25589632). Variants in this region may be relevant for neuromuscular disorders, but have not been definitively shown to cause cardiomyopathy (PMID: 23975875). In summary, the available evidence is currently insufficient to determine the role of this variant in disease. Therefore, it has been classified as a Variant of Uncertain Significance. Experimental studies and prediction algorithms are not available or were not evaluated, and the functional significance of this variant is currently unknown. This variant has not been reported in the literature in individuals affected with TTN-related conditions. This variant is not present in population databases (ExAC no frequency). This sequence change replaces isoleucine with threonine at codon 33916 of the TTN protein (p.Ile33916Thr). There is a moderate physicochemical difference between isoleucine and threonine.

Literature cited by the submitters: PubMed 25589632; PubMed 23975875.

NM_001267550.2(TTN):c.101747T>C (p.Ile33916Thr)

Genes: TTN-AS1 (TTN antisense RNA 1; plus strand), TTN (titin; minus strand). Cytogenetic location: 2q31.2.
Variant type: single nucleotide variant.
Coding change: c.101747T>C on transcript NM_001267550.2 (MANE Select); coding-DNA position 101747, T replaced by C.
Protein change: p.Ile33916Thr; replaces isoleucine 33916 with threonine.
Molecular consequence: missense variant.
Genome position (GRCh38, 1-based): chr2:178,534,868, A>G on the plus strand (T>C on the coding strand, the complement: TTN is on the minus strand). VCF-style: chr2-178534868-A-G. GRCh37 (hg19) VCF-style: chr2-179399595-A-G.
Other names: c.96824T>C, p.Ile32275Thr (NM_001256850.1); c.74552T>C, p.Ile24851Thr (NM_003319.4); c.94043T>C, p.Ile31348Thr (NM_133378.4); c.74927T>C, p.Ile24976Thr (NM_133432.3); c.75128T>C, p.Ile25043Thr (NM_133437.4); short protein forms I32275T, I25043T, I33916T, I24851T, I24976T, I31348T.
Identifiers: ClinVar variation 1492827 (VCV001492827.6), dbSNP rs2154136265, ClinGen allele CA349419688.